The following is an entry in ClinVar:

NM_175875.5(SIX5):c.124G>T (p.Ala42Ser)

Genes: DM1-AS (DM1 locus antisense RNA; plus strand), SIX5 (SIX homeobox 5; minus strand), LOC107075317 (origin of replication in DMPK trinucleotide repeat region; plus strand), LOC129929037 (ATAC-STARR-seq lymphoblastoid silent region 10794; plus strand). Cytogenetic location: 19q13.32.
Variant type: single nucleotide variant.
Coding change: c.124G>T on transcript NM_175875.5 (MANE Select); coding-DNA position 124, G replaced by T.
Protein change: p.Ala42Ser; replaces alanine 42 with serine.
Molecular consequence: missense variant.
Genome position (GRCh38, 1-based): chr19:45,768,721, C>A on the plus strand (G>T on the coding strand, the complement: SIX5 is on the minus strand). VCF-style: chr19-45768721-C-A. GRCh37 (hg19) VCF-style: chr19-46271979-C-A.
Other names: short protein forms A42S.
Identifiers: ClinVar variation 3647026 (VCV003647026.2).

ClinVar aggregate classification (germline): Uncertain significance (1 of 4 stars; one submission).

gnomAD v4.1: 4 of 1,435,276 alleles (0.00028%); highest among the groups gnomAD compares: Non-Finnish European, 0.00036%; no homozygotes.

Submission:

Labcorp Genetics (formerly Invitae), Labcorp
Classification: Uncertain significance. Last evaluated: 2024-05-06. Review status: criteria provided, single submitter. Criteria: Invitae Variant Classification Sherloc (09022015). Collection method: clinical testing. Allele origin: germline.
Comment: This sequence change replaces alanine, which is neutral and non-polar, with serine, which is neutral and polar, at codon 42 of the SIX5 protein (p.Ala42Ser). This variant is not present in population databases (gnomAD no frequency). This variant has not been reported in the literature in individuals affected with SIX5-related conditions. Experimental studies and prediction algorithms are not available or were not evaluated, and the functional significance of this variant is currently unknown. In summary, the available evidence is currently insufficient to determine the role of this variant in disease. Therefore, it has been classified as a Variant of Uncertain Significance.